The following is an entry in ClinVar:

NC_000005.9:g.(?_40909713)_(40909738_?)dup

Gene: C7 (complement C7; plus strand). Cytogenetic location: 5p13.1.
Variant type: Duplication.
Identifiers: ClinVar variation 1359120 (VCV001359120.4).

ClinVar aggregate classification (germline): Uncertain significance (1 of 4 stars; one submission).

Submission:

Labcorp Genetics (formerly Invitae), Labcorp
Classification: Uncertain significance. Last evaluated: 2021-06-06. Review status: criteria provided, single submitter. Criteria: Invitae Variant Classification Sherloc (09022015). Collection method: clinical testing. Allele origin: germline.
Comment: This variant results in a copy number gain of the genomic region encompassing exon(s) 1 of the C7 gene. This region includes the initiator codon of the gene. The 5' end of this event is unknown as it extends beyond the assayed region for this gene and therefore may encompass additional genes. The 3' boundary is likely confined to intron 1 of the C7 gene. As the precise location of this event is unknown, it may be in tandem or it may be located elsewhere in the genome. This variant has not been reported in the literature in individuals with C7-related conditions. In summary, the available evidence is currently insufficient to determine the role of this variant in disease. Therefore, it has been classified as a Variant of Uncertain Significance.